The following is an entry in ClinVar:

ClinVar aggregate classification (germline): Pathogenic/Likely pathogenic. Review status: criteria provided, multiple submitters, no conflicts (2 of 4 stars). 3 submissions from 3 submitters: Pathogenic (1); Likely pathogenic (2). Last evaluated 2025-09-19.

Conditions:
Catecholaminergic polymorphic ventricular tachycardia 1. Also called: RYR2-Related Catecholaminergic Polymorphic Ventricular Tachycardia; VENTRICULAR TACHYCARDIA, CATECHOLAMINERGIC POLYMORPHIC, 1, WITH OR WITHOUT ATRIAL DYSFUNCTION AND/OR DILATED CARDIOMYOPATHY; VENTRICULAR TACHYCARDIA, STRESS-INDUCED POLYMORPHIC 1. Identifiers: Orphanet 3286, MedGen C1631597, MONDO:0011484, OMIM 604772.
Catecholaminergic polymorphic ventricular tachycardia 2. Also called: CASQ2-Related Catecholaminergic Polymorphic Ventricular Tachycardia; VENTRICULAR TACHYCARDIA, STRESS-INDUCED POLYMORPHIC 2. Identifiers: Orphanet 3286, MedGen C2677794, MONDO:0012762, OMIM 611938.

Allele frequency attached by ClinVar (database versions not stated): TOPMed below 0.00001; ExAC 0.00001; gnomAD 0.00001.
gnomAD v4.1: 6 of 1,610,332 alleles (0.00037%); highest among the groups gnomAD compares: Non-Finnish European, 0.00051%; no homozygotes.

Submissions (3):

Variantyx, Inc.
Classification: Likely pathogenic for Catecholaminergic polymorphic ventricular tachycardia 2. Last evaluated: 2025-09-19. Review status: criteria provided, single submitter. Criteria: Variantyx Assertion Criteria 2022. Collection method: clinical testing. Allele origin: germline. Inheritance: Autosomal recessive inheritance.
Comment: This is a canonical splicing variant in the CASQ2 gene (OMIM: 114251). Pathogenic variants in this gene have been associated with autosomal recessive catecholaminergic polymorphic ventricular tachycardia 2. This splicing variant is expected to result in loss of function, which is a known disease mechanism for CASQ2 in this disorder (PMID: 21618644) (PVS1). It has a 0.0005% maximum allele frequency in non-founder control populations (PM2). Based on the current evidence, this variant is classified as likely pathogenic for autosomal recessive catecholaminergic polymorphic ventricular tachycardia 2.

Labcorp Genetics (formerly Invitae), Labcorp
Classification: Pathogenic for Catecholaminergic polymorphic ventricular tachycardia 1. Last evaluated: 2024-03-20. Review status: criteria provided, single submitter. Criteria: Invitae Variant Classification Sherloc (09022015). Collection method: clinical testing. Allele origin: germline.
Comment: This sequence change affects a donor splice site in intron 6 of the CASQ2 gene. It is expected to disrupt RNA splicing. Variants that disrupt the donor or acceptor splice site typically lead to a loss of protein function (PMID: 16199547), and loss-of-function variants in CASQ2 are known to be pathogenic (PMID: 12386154). This variant is present in population databases (rs753636068, gnomAD 0.0009%). Disruption of this splice site has been observed in individual(s) with catecholaminergic polymorphic ventricular tachycardia (PMID: 21618644). In at least one individual the data is consistent with being in trans (on the opposite chromosome) from a pathogenic variant. ClinVar contains an entry for this variant (Variation ID: 2202832). Algorithms developed to predict the effect of sequence changes on RNA splicing suggest that this variant may disrupt the consensus splice site. For these reasons, this variant has been classified as Pathogenic.

Fulgent Genetics
Classification: Likely pathogenic for Catecholaminergic polymorphic ventricular tachycardia 2. Last evaluated: 2024-03-05. Review status: criteria provided, single submitter. Criteria: ACMG Guidelines, 2015. Collection method: clinical testing. Allele origin: germline.

Literature cited by the submitters: PubMed 21618644 (cited by Variantyx, Inc. and Labcorp Genetics (formerly Invitae), Labcorp); PubMed 16199547 (cited by Labcorp Genetics (formerly Invitae), Labcorp); PubMed 12386154 (cited by Labcorp Genetics (formerly Invitae), Labcorp).

NM_001232.4(CASQ2):c.737+1G>A

Gene: CASQ2 (calsequestrin 2; minus strand). Cytogenetic location: 1p13.1.
Variant type: single nucleotide variant.
Coding change: c.737+1G>A on transcript NM_001232.4 (MANE Select); the canonical splice donor site of the intron after coding-DNA position 737, G replaced by A.
Molecular consequence: splice donor variant.
Genome position (GRCh38, 1-based): chr1:115,726,991, C>T on the plus strand (G>A on the coding strand, the complement: CASQ2 is on the minus strand). VCF-style: chr1-115726991-C-T. GRCh37 (hg19) VCF-style: chr1-116269612-C-T.
Identifiers: ClinVar variation 2202832 (VCV002202832.5), dbSNP rs753636068, ClinGen allele CA1023812.